The following is an entry in ClinVar:

NM_002480.3(PPP1R12A):c.95A>C (p.Gln32Pro)

Genes: PPP1R12A (protein phosphatase 1 regulatory subunit 12A; minus strand), LOC112163633 (Sharpr-MPRA regulatory region 5962; plus strand). Cytogenetic location: 12q21.31.
Variant type: single nucleotide variant.
Coding change: c.95A>C on transcript NM_002480.3 (MANE Select); coding-DNA position 95, A replaced by C.
Protein change: p.Gln32Pro; replaces glutamine 32 with proline.
Molecular consequence: missense variant.
Genome position (GRCh38, 1-based): chr12:79,934,837, T>G on the plus strand (A>C on the coding strand, the complement: PPP1R12A is on the minus strand). VCF-style: chr12-79934837-T-G. GRCh37 (hg19) VCF-style: chr12-80328617-T-G.
Other names: c.95A>C, p.Gln32Pro (NM_001143885.2, NM_001244990.2, NM_001244992.1); short protein forms Q32P.
Identifiers: ClinVar variation 2837996 (VCV002837996.3), dbSNP rs1888547980, ClinGen allele CA385934042.

ClinVar aggregate classification (germline): Uncertain significance (1 of 4 stars; one submission).

Submission:

Labcorp Genetics (formerly Invitae), Labcorp
Classification: Uncertain significance. Last evaluated: 2023-02-16. Review status: criteria provided, single submitter. Criteria: Invitae Variant Classification Sherloc (09022015). Collection method: clinical testing. Allele origin: germline.
Comment: This sequence change replaces glutamine, which is neutral and polar, with proline, which is neutral and non-polar, at codon 32 of the PPP1R12A protein (p.Gln32Pro). This variant is not present in population databases (gnomAD no frequency). This variant has not been reported in the literature in individuals affected with PPP1R12A-related conditions. An algorithm developed to predict the effect of missense changes on protein structure and function (PolyPhen-2) suggests that this variant is likely to be tolerated. In summary, the available evidence is currently insufficient to determine the role of this variant in disease. Therefore, it has been classified as a Variant of Uncertain Significance.